The following is an entry in ClinVar:

ClinVar aggregate classification (germline): Likely benign. Review status: reviewed by expert panel (3 of 4 stars). 3 submissions from 3 submitters: Likely benign (1). 2 of the submissions do not count toward it. Last evaluated 2026-09-21.

Conditions:
Alexander disease (ALXDRD). Also called: Alexander's disease. Identifiers: Orphanet 58, MedGen C0270726, MONDO:0008752, OMIM 203450.

Allele frequency attached by ClinVar (database versions not stated): ExAC 0.00001.
gnomAD v4.1: 16 of 1,612,722 alleles (0.00099%); highest among the groups gnomAD compares: South Asian, 0.0077%; no homozygotes.

Submissions (3):

ClinGen Leukodystrophy and Leukoencephalopathy Variant Curation Expert Panel, ClinGen
Classification: Likely benign for Alexander disease. Last evaluated: 2026-09-21. Review status: reviewed by expert panel. Criteria: ClinGen Leuko ACMG Specifications GFAP V1.0. Collection method: curation. Allele origin: germline. Inheritance: Autosomal dominant inheritance.
Comment: The c.145C>T variant in GFAP is a missense variant predicted to cause substitution of Arginine by Tryptophan at amino acid 49 (p.Arg49Trp). The GrpMax filtering allele frequency in gnomAD v4.1.1 is 0.00002597 from the South Asian genetic ancestry group (the lower threshold of the 95% CI of 3/30598 alleles), which is higher than the ClinGen Leukodystrophy and Leukoencephalopathy VCEP threshold (>0.00001) for BS1, and therefore meets this criterion (BS1). There were no readily available publications noting cases, in vivo, or in vitro experiments. In summary, this variant meets the criteria to be classified as Likely Benign for Autosomal Dominant Alexander disease based on the ACMG/AMP criteria applied, as specified by the ClinGen Leukodystrophy and Leukoencephalopathy Expert Panel: BS1. ClinGen Leukodystrophy and Leukoencephalopathy Expert Panel Specifications to the ACMG/AMP Variant Interpretation Guidelines for GFAP Version 1.0.

Women's Health and Genetics/Laboratory Corporation of America, LabCorp
Classification: Uncertain significance. Last evaluated: 2023-07-14. Review status: criteria provided, single submitter. Criteria: LabCorp Variant Classification Summary - May 2015. Collection method: clinical testing. Allele origin: germline. Not counted in ClinVar's aggregate classification.
Comment: Variant summary: GFAP c.145C>T (p.Arg49Trp) results in a non-conservative amino acid change located in the Intermediate filament head, DNA-binding domain (IPR006821) of the encoded protein sequence. Five of five in-silico tools predict a damaging effect of the variant on protein function. The variant allele was found at a frequency of 1.6e-05 in 250040 control chromosomes (gnomAD). The available data on variant occurrences in the general population are insufficient to allow any conclusion about variant significance. To our knowledge, no occurrence of c.145C>T in individuals affected with Alexander Disease and no experimental evidence demonstrating its impact on protein function have been reported. One submitter has cited a clinical-significance assessment for this variant to ClinVar after 2014 and has classified the variant as uncertain significance. Based on the evidence outlined above, the variant was classified as uncertain significance.

MGZ Medical Genetics Center
Classification: Uncertain significance for Alexander disease. Last evaluated: 2022-06-13. Review status: criteria provided, single submitter. Criteria: ACMG Guidelines, 2015. Collection method: clinical testing. Allele origin: germline. Affected: yes. Observed: 1 variant allele. Not counted in ClinVar's aggregate classification.
Comment: ACMG criteria applied: PM2_SUP, PP3

NM_002055.5(GFAP):c.145C>T (p.Arg49Trp)

Gene: GFAP (glial fibrillary acidic protein; minus strand). Cytogenetic location: 17q21.31.
Variant type: single nucleotide variant.
Coding change: c.145C>T on transcript NM_002055.5 (MANE Select); coding-DNA position 145, C replaced by T.
Protein change: p.Arg49Trp; replaces arginine 49 with tryptophan.
Molecular consequence: missense variant.
Genome position (GRCh38, 1-based): chr17:44,915,342, G>A on the plus strand (C>T on the coding strand, the complement: GFAP is on the minus strand). VCF-style: chr17-44915342-G-A. GRCh37 (hg19) VCF-style: chr17-42992710-G-A.
Other names: NM_002055.5(GFAP):c.145C>T; p.Arg49Trp; c.145C>T (NM_002055.4); c.145C>T, p.Arg49Trp (NM_001131019.3, NM_001242376.3, NM_001363846.2); short protein forms R49W.
Identifiers: ClinVar variation 1709470 (VCV001709470.4), dbSNP rs771283454, ClinGen allele CA8609091.
Genomic context (GRCh38, chr17:44,915,342, plus strand): 5'-CACTGGCCCGGGTCTCCTTGAAGCCAGCATTGAGTGCCCCAGCCAGGGAGAAATCCACCC[G>A]GGTCGGGAGTGGAGGGGGCATTCGAGCCAGGGAGAGGCGGGTGCCAGGACCCAGACGGCG-3'
Protein context (NP_002046.1, residues 39-59): LARMPPPLPT[Arg49Trp]VDFSLAGALN